The following is an entry in ClinVar:

ClinVar aggregate classification (germline): Conflicting classifications of pathogenicity. Review status: criteria provided, conflicting classifications (1 of 4 stars). 2 submissions from 2 submitters: Likely pathogenic (1); Uncertain significance (1). Last evaluated 2025-12-29.

Conditions:
Dilated cardiomyopathy 1G (CMD1G). Identifiers: Orphanet 154, MedGen C1858763, MONDO:0011400, OMIM 604145.
Autosomal recessive limb-girdle muscular dystrophy type 2J (LGMDR10). Also called: Limb-girdle muscular dystrophy, type 2J; MUSCULAR DYSTROPHY, LIMB-GIRDLE, AUTOSOMAL RECESSIVE 10. Identifiers: Orphanet 140922, MedGen C1837342, MONDO:0012127, OMIM 608807.
Cardiovascular phenotype. Identifiers: MedGen CN230736.

Submissions (2):

Ambry Genetics
Classification: Likely pathogenic for Cardiovascular phenotype. Last evaluated: 2025-12-29. Review status: criteria provided, single submitter. Criteria: Ambry Variant Classification Scheme 2023. Collection method: clinical testing. Allele origin: germline.
Comment: The p.W6175* variant (also known as c.18524G>A), located in coding exon 74 of the TTN gene, results from a G to A substitution at nucleotide position 18524. This changes the amino acid from a tryptophan to a stop codon within coding exon 74. This exon is located in the I-band region of the N2-B isoform of the titin protein and is constitutively expressed in TTN transcripts (percent spliced in or PSI 100%). This variant is expected to result in loss of function by premature protein truncation or nonsense-mediated mRNA decay. While truncating variants in TTN are present in 1-3% of the general population, truncating variants in the A-band are the most common cause of dilated cardiomyopathy (Herman DS et al. N. Engl. J. Med., 2012 Feb;366:619-28; Roberts AM et al. Sci Transl Med, 2015 Jan;7:270ra6). TTN truncating variants encoded in constitutive exons (PSI >90%) have been found to be significantly associated with DCM regardless of their position in titin (Schafer S et al. Nat. Genet., 2017 01;49:46-53; Akhtar MM et al. Circ Heart Fail, 2020 Oct;13:e006832; Massier M et al. Clin Genet, 2025 Jan). This variant is considered to be rare based on population cohorts in the Genome Aggregation Database (gnomAD). Based on the majority of available evidence to date, this variant is likely to be pathogenic.

Labcorp Genetics (formerly Invitae), Labcorp
Classification: Uncertain significance for Dilated cardiomyopathy 1G; Limb-girdle muscular dystrophy, type 2J. Last evaluated: 2019-10-03. Review status: criteria provided, single submitter. Criteria: Invitae Variant Classification Sherloc (09022015). Collection method: clinical testing. Allele origin: germline.
Comment: This sequence change results in a premature translational stop signal in the TTN gene (p.Trp15240*). While this is not anticipated to result in nonsense mediated decay, it is expected to create a truncated TTN protein. This variant is not present in population databases (ExAC no frequency). This variant has not been reported in the literature in individuals with TTN-related conditions. This variant is located in the I band of TTN (PMID: 25589632). Truncating variants in this region have been shown to be highly prevalent in the general population and unaffected individuals (PMID: 26701604, 22335739). However, truncating variants in this region have also been reported in individuals affected with autosomal recessive centronuclear myopathy (PMID: 23975875). In summary, the available evidence is currently insufficient to determine the role of this variant in disease. Therefore, it has been classified as a Variant of Uncertain Significance.

Literature cited by the submitters: PubMed 22335739 (cited by Labcorp Genetics (formerly Invitae), Labcorp); PubMed 23975875 (cited by Labcorp Genetics (formerly Invitae), Labcorp); PubMed 25589632 (cited by Labcorp Genetics (formerly Invitae), Labcorp); PubMed 26701604 (cited by Labcorp Genetics (formerly Invitae), Labcorp).

NM_001267550.2(TTN):c.45719G>A (p.Trp15240Ter)

Gene: TTN (titin; minus strand). Cytogenetic location: 2q31.2.
Variant type: single nucleotide variant.
Coding change: c.45719G>A on transcript NM_001267550.2 (MANE Select); coding-DNA position 45719, G replaced by A.
Protein change: p.Trp15240Ter; replaces tryptophan 15240 with a stop codon.
Molecular consequence: nonsense.
Genome position (GRCh38, 1-based): chr2:178,620,891, C>T on the plus strand (G>A on the coding strand, the complement: TTN is on the minus strand). VCF-style: chr2-178620891-C-T. GRCh37 (hg19) VCF-style: chr2-179485618-C-T.
Other names: c.40796G>A, p.Trp13599Ter (NM_001256850.1); c.18524G>A, p.Trp6175Ter (NM_003319.4); c.38015G>A, p.Trp12672Ter (NM_133378.4); c.18899G>A, p.Trp6300Ter (NM_133432.3); c.19100G>A, p.Trp6367Ter (NM_133437.4); short protein forms W13599*, W6300*, W6367*, W12672*, W6175*, W15240*.
Identifiers: ClinVar variation 967737 (VCV000967737.2), dbSNP rs2058162241, ClinGen allele CA349632298.